The following is an entry in ClinVar:

ClinVar aggregate classification (germline): Benign. Review status: criteria provided, multiple submitters, no conflicts (2 of 4 stars). 8 submissions from 8 submitters: Benign (7). 1 of the submissions does not count toward it. Last evaluated 2026-02-04.

Conditions:
ZNF341-related disorder. Also called: ZNF341-related condition.
Hyper-IgE recurrent infection syndrome 3, autosomal recessive. Also called: Autosomal recessive hyper-IgE syndrome due to ZNF341 deficiency; HYPER-IgE SYNDROME 3, AUTOSOMAL RECESSIVE, WITH RECURRENT INFECTIONS. Identifiers: Orphanet 641368, MedGen C4748969, MONDO:0032654, OMIM 618282.

Allele frequency attached by ClinVar (database versions not stated): gnomAD exomes 0.65319 and 0.71916; ExAC 0.72392; ESP Exome Variant Server 0.73430; gnomAD 0.74555 and 0.74572; TOPMed 0.75751; 1000 Genomes Project 0.81350; 1000 Genomes Project 30x 0.81371.
gnomAD v4.1: 1,063,967 of 1,605,122 alleles (66%); highest among the groups gnomAD compares: East Asian, 94%; 359,420 homozygotes.

Submissions (8):

Labcorp Genetics (formerly Invitae), Labcorp
Classification: Benign. Last evaluated: 2026-02-04. Review status: criteria provided, single submitter. Criteria: Invitae Variant Classification Sherloc (09022015). Collection method: clinical testing. Allele origin: germline.

Women's Health and Genetics/Laboratory Corporation of America, LabCorp
Classification: Benign. Last evaluated: 2026-01-21. Review status: criteria provided, single submitter. Criteria: LabCorp Variant Classification Summary - May 2015. Collection method: clinical testing. Allele origin: germline.

Blueprint Genetics
Classification: Benign. Last evaluated: 2024-11-28. Review status: criteria provided, single submitter. Criteria: ACMG Guidelines, 2015. Collection method: clinical testing. Allele origin: germline.

Unidad de Genómica Garrahan, Hospital de Pediatría Garrahan
Classification: Benign. Last evaluated: 2023-11-12. Review status: criteria provided, single submitter. Criteria: ACMG Guidelines, 2015. Collection method: clinical testing. Allele origin: germline. Affected: no. Observed: 88 variant alleles.
Comment: This variant is classified as Benign based on local population frequency. This variant was detected in 92% of patients studied by a panel of primary immunodeficiencies. Number of patients: 88. Only high quality variants are reported.

Mayo Clinic Laboratories, Mayo Clinic
Classification: Benign. Last evaluated: 2022-09-06. Review status: criteria provided, single submitter. Criteria: ACMG Guidelines, 2015. Collection method: clinical testing. Allele origin: germline. Observed: 99 variant alleles.

Genome-Nilou Lab
Classification: Benign for Hyper-IgE recurrent infection syndrome 3, autosomal recessive. Last evaluated: 2021-12-05. Review status: criteria provided, single submitter. Criteria: ACMG Guidelines, 2015. Collection method: clinical testing. Allele origin: germline. Affected: no.

Breakthrough Genomics
Classification: Benign. Review status: criteria provided, single submitter. Criteria: ACMG Guidelines, 2015. Collection method: not provided. Allele origin: germline. Inheritance: Autosomal recessive inheritance. Affected: yes.

PreventionGenetics, part of Exact Sciences
Classification: Benign for ZNF341-related condition. Last evaluated: 2019-10-17. Review status: no assertion criteria provided. Collection method: clinical testing. Allele origin: germline. Not counted in ClinVar's aggregate classification.
Comment: This variant is classified as benign based on ACMG/AMP sequence variant interpretation guidelines (Richards et al. 2015 PMID: 25741868, with internal and published modifications).

NM_001282933.2(ZNF341):c.2505T>C (p.Ala835=)

Genes: ZNF341 (zinc finger protein 341; plus strand), ZNF341-AS1 (ZNF341 antisense RNA 1; minus strand). Cytogenetic location: 20q11.22.
Variant type: single nucleotide variant.
Coding change: c.2505T>C on transcript NM_001282933.2 (MANE Select); coding-DNA position 2505, T replaced by C.
Protein change: p.Ala835=; no amino-acid change (alanine 835 retained).
Molecular consequence: synonymous variant. On other transcripts: non-coding transcript variant (1).
Genome position (GRCh38, 1-based): chr20:33,791,457, T>C. VCF-style: chr20-33791457-T-C. GRCh37 (hg19) VCF-style: chr20-32379263-T-C.
Other names: p.Ala828=; c.2235T>C, p.Ala745= (NM_001282935.2); c.2484T>C, p.Ala828= (NM_032819.5); c.2484T>C (NM_032819.4); c.2505T>C (NM_001282933.1).
Identifiers: ClinVar variation 1165798 (VCV001165798.18), dbSNP rs2626551, ClinGen allele CA9819822.